The following is an entry in ClinVar:

NM_001165963.4(SCN1A):c.4750T>C (p.Phe1584Leu)

Genes: SCN1A (sodium voltage-gated channel alpha subunit 1; minus strand), LOC102724058 (uncharacterized LOC102724058; plus strand). Cytogenetic location: 2q24.3.
Variant type: single nucleotide variant.
Coding change: c.4750T>C on transcript NM_001165963.4 (MANE Select); coding-DNA position 4750, T replaced by C.
Protein change: p.Phe1584Leu; replaces phenylalanine 1584 with leucine.
Molecular consequence: missense variant. On other transcripts: non-coding transcript variant (1).
Genome position (GRCh38, 1-based): chr2:165,994,248, A>G on the plus strand (T>C on the coding strand, the complement: SCN1A is on the minus strand). VCF-style: chr2-165994248-A-G. GRCh37 (hg19) VCF-style: chr2-166850758-A-G.
Other names: c.4663T>C, p.Phe1555Leu (NM_001353960.2); c.2308T>C, p.Phe770Leu (NM_001353961.2); c.4717T>C, p.Phe1573Leu (NM_006920.6, NM_001353949.2, NM_001353950.2 and 2 more transcripts); c.4750T>C, p.Phe1584Leu (NM_001202435.3, NM_001353948.2); c.4714T>C, p.Phe1572Leu (NM_001353954.2, NM_001353955.2); c.4666T>C, p.Phe1556Leu (NM_001353957.2, NM_001353958.2, NM_001165964.3); short protein forms F1572L, F1555L, F770L, F1584L, F1556L, F1573L.
Identifiers: ClinVar variation 2705073 (VCV002705073.3), dbSNP rs2468359216, ClinGen allele CA349071692.
Genomic context (GRCh38, chr2:165,994,248, plus strand): 5'-ATCCAATGGTAAAATAATAATGGCGTAGAGAGATGAGTTTCAGTACACACTCTCCAGTAA[A>G]TAGCACAATGAACACCAGATTGATGCGTGACAAAATGGTAGTCACATATTCACTCTGGTC-3'
Protein context (NP_001159435.1, residues 1574-1594): SRINLVFIVL[Phe1584Leu]TGECVLKLIS

ClinVar aggregate classification (germline): Uncertain significance (1 of 4 stars; one submission).

Conditions:
Early-infantile DEE. Also called: Ohtahara syndrome; Early infantile epileptic encephalopathy with suppression bursts; Early infantile epileptic encephalopathy. Identifiers: Orphanet 1934, MedGen C0393706, MONDO:0800491.

Submission:

Labcorp Genetics (formerly Invitae), Labcorp
Classification: Uncertain significance for Early-infantile DEE. Last evaluated: 2024-10-27. Review status: criteria provided, single submitter. Criteria: Invitae Variant Classification Sherloc (09022015). Collection method: clinical testing. Allele origin: germline.
Comment: This sequence change replaces phenylalanine, which is neutral and non-polar, with leucine, which is neutral and non-polar, at codon 1584 of the SCN1A protein (p.Phe1584Leu). This variant is not present in population databases (gnomAD no frequency). This variant has not been reported in the literature in individuals affected with SCN1A-related conditions. Invitae Evidence Modeling of protein sequence and biophysical properties (such as structural, functional, and spatial information, amino acid conservation, physicochemical variation, residue mobility, and thermodynamic stability) indicates that this missense variant is expected to disrupt SCN1A protein function with a positive predictive value of 95%. In summary, the available evidence is currently insufficient to determine the role of this variant in disease. Therefore, it has been classified as a Variant of Uncertain Significance.